The following is an entry in ClinVar:

NM_000548.5(TSC2):c.3598C>T (p.Arg1200Trp)

Gene: TSC2 (TSC complex subunit 2; plus strand). Cytogenetic location: 16p13.3.
Variant type: single nucleotide variant.
Coding change: c.3598C>T on transcript NM_000548.5 (MANE Select); coding-DNA position 3598, C replaced by T.
Protein change: p.Arg1200Trp; replaces arginine 1200 with tryptophan.
Molecular consequence: missense variant.
Genome position (GRCh38, 1-based): chr16:2,080,365, C>T. VCF-style: chr16-2080365-C-T. GRCh37 (hg19) VCF-style: chr16-2130366-C-T.
Other names: p.R1200W:CGG>TGG; c.3598C>T (NM_000548.4); c.3466C>T, p.Arg1156Trp (NM_001077183.3, NM_001370404.1); c.3598C>T, p.Arg1200Trp (NM_001114382.3); c.3358C>T, p.Arg1120Trp (NM_001318827.2); c.3322C>T, p.Arg1108Trp (NM_001318829.2); c.2866C>T, p.Arg956Trp (NM_001318831.2); c.3499C>T, p.Arg1167Trp (NM_001318832.2); and 1 more; short protein forms R1200W, R1156W, R1167W, R956W, R1108W, R1120W, R1157W.
Identifiers: ClinVar variation 49770 (VCV000049770.79), dbSNP rs45438205, ClinGen allele CA019313.

ClinVar aggregate classification (germline): Pathogenic. Review status: criteria provided, multiple submitters, no conflicts (2 of 4 stars). 28 submissions from 28 submitters: Pathogenic (26). 2 of the submissions do not count toward it. Last evaluated 2026-09-24.

Conditions:
Hereditary cancer-predisposing syndrome. Also called: Tumor predisposition; Neoplastic Syndromes, Hereditary; Hereditary neoplastic syndrome; Hereditary Cancer Syndrome. Identifiers: Orphanet 140162, MedGen C0027672, MeSH D009386, MONDO:0015356.
Isolated focal cortical dysplasia type II (FCORD2). Also called: Focal cortical dysplasia type II; CORTICAL DYSPLASIA OF TAYLOR. Identifiers: Orphanet 268994, MedGen C1846385, MONDO:0011818, OMIM 607341, HP:0032051.
Lymphangiomyomatosis (LAM). Also called: Lymphangioleiomyomatosis; Lymphangioleiomyomatosis, somatic. Identifiers: Orphanet 538, MedGen C0751674, MONDO:0011705, OMIM 606690.
Tuberous sclerosis 2 (TSC2). Identifiers: Orphanet 805, MedGen C1860707, MONDO:0013199, OMIM 613254.
TSC2-related disorder. Also called: TSC2-related condition; TSC2-Related Disorders.
Tuberous sclerosis syndrome (TSC). Also called: Tuberous Sclerosis Complex; Tuberous sclerosis. Identifiers: Orphanet 805, MedGen C0041341, MONDO:0001734.

Allele frequency attached by ClinVar (database versions not stated): gnomAD exomes below 0.00001; gnomAD 0.00001.

Submissions 1 to 8 of 28:

Cambridge Genomics Laboratory, East Genomic Laboratory Hub, NHS Genomic Medicine Service
Classification: Pathogenic for Tuberous sclerosis. Last evaluated: 2026-09-24. Review status: criteria provided, single submitter. Criteria: ACGS Best Practice Guidelines for Variant Classification in Rare Disease 2020. Collection method: clinical testing. Allele origin: germline. Affected: yes.
Comment: PS2_Moderate,PS3_Moderate,PS4,PM2_Supporting,PP3

PreventionGenetics, part of Exact Sciences
Classification: Pathogenic for TSC2-related condition. Last evaluated: 2026-06-03. Review status: criteria provided, single submitter. Criteria: ACMG Guidelines, 2015. Collection method: clinical testing. Allele origin: germline.
Comment: The TSC2 c.3598C>T variant is predicted to result in the amino acid substitution p.Arg1200Trp. This variant has been reported in a large number of individuals and families with variable, often mild, manifestations of tuberous sclerosis complex (see for example, Wilson et al. 1996. PubMed ID: 8824881; Altarescu et al. 2008. PubMed ID: 18792920; Hoogeveen-Westerveld et al. 2011. PubMed ID: 21309039; Wentink et al. 2011. PubMed ID: 21332470; Butler et al. 2017. PubMed ID: 29056246). This variant is reported in 0.0067% of alleles in individuals of European (Non-Finnish) descent in gnomAD. It is interpreted as pathogenic in ClinVar (Variation ID: 49770). This variant is interpreted as pathogenic.

Dasa
Classification: Pathogenic. Last evaluated: 2026-01-20. Review status: criteria provided, single submitter. Criteria: DASA Assertion Criteria. Collection method: clinical testing. Allele origin: germline.
Comment: NM_000548.5(TSC2):c.3598C>T (p.Arg1200Trp) introduces an arginine-to-tryptophan substitution at a residue with other pathogenic substitutions, supported by functional studies and recurrent observation in individuals with tuberous sclerosis complex (PMID: 21332470). Based on the available data, this variant is classified as pathogenic.

3billion
Classification: Pathogenic for Tuberous sclerosis 2. Last evaluated: 2026-01-07. Review status: criteria provided, single submitter. Criteria: ACMG Guidelines, 2015. Collection method: clinical testing. Allele origin: germline. Affected: yes.
Comment: The variant is observed at an extremely low frequency in the gnomAD v4.1.0 dataset (total allele frequency: <0.001%). Predicted Consequence/Location: Missense variant. The majority of the known disease-causing variants of this gene are variants expected to result in premature termination of the protein. Functional studies provide supporting evidence of the variant having a damaging effect on the gene or gene product (PMID: 21332470). In silico tool predictions suggest damaging effect of the variant on gene or gene product [REVEL: 0.89 (>=0.6, sensitivity 0.68 and specificity 0.92); 3Cnet: 0.99 (> 0.75, sensitivity 0.96 and precision 0.92)]. The same nucleotide change resulting in the same amino acid change has been previously reported as pathogenic/likely pathogenic with strong evidence (ClinVar ID: VCV000049770 /PMID: 8824881). The variant has been observed in multiple (>3) similarly affected unrelated individuals (PMID: 21332470). Different missense changes at the same codon (p.Arg1200Gln, p.Arg1200Gly, p.Arg1200Pro) have been reported to be associated with TSC2-related disorder (ClinVar ID: VCV002049812 /PMID: 29308833, 36149413). Therefore, this variant is classified as Pathogenic according to the recommendation of ACMG/AMP guideline.

Labcorp Genetics (formerly Invitae), Labcorp
Classification: Pathogenic for Tuberous sclerosis 2. Last evaluated: 2026-01-05. Review status: criteria provided, single submitter. Criteria: Invitae Variant Classification Sherloc (09022015). Collection method: clinical testing. Allele origin: germline.
Comment: This sequence change replaces arginine, which is basic and polar, with tryptophan, which is neutral and slightly polar, at codon 1200 of the TSC2 protein (p.Arg1200Trp). This variant is present in population databases (rs45438205, gnomAD 0.007%). This missense change has been observed in individual(s) with clinical features of TSC2-related conditions (PMID: 8824881, 9463313, 18792920, 21332470, 22867869, 25039834, 28149746). It has also been observed to segregate with disease in related individuals. Invitae Evidence Modeling of clinical and family history, age, sex, and reported ancestry of multiple individuals with this TSC2 variant has been performed. This variant is expected to be pathogenic with a positive predictive value of at least 99%. This is a validated machine learning model that incorporates the clinical features of 1,224,362 individuals referred to our laboratory for TSC2 testing. This variant is also known as c.3616C>T (p.Arg1199Trp). ClinVar contains an entry for this variant (Variation ID: 49770). Invitae Evidence Modeling of protein sequence and biophysical properties (such as structural, functional, and spatial information, amino acid conservation, physicochemical variation, residue mobility, and thermodynamic stability) has been performed for this missense variant. However, the output from this modeling did not meet the statistical confidence thresholds required to predict the impact of this variant on TSC2 protein function. Experimental studies have shown that this missense change affects TSC2 function (PMID: 21309039, 21332470). For these reasons, this variant has been classified as Pathogenic.

Ambry Genetics
Classification: Pathogenic for Hereditary cancer-predisposing syndrome. Last evaluated: 2024-09-29. Review status: criteria provided, single submitter. Criteria: Ambry Variant Classification Scheme 2023. Collection method: clinical testing. Allele origin: germline.
Comment: The p.R1200W pathogenic mutation (also known as c.3598C>T), located in coding exon 29 of the TSC2 gene, results from a C to T substitution at nucleotide position 3598. The arginine at codon 1200 is replaced by tryptophan, an amino acid with dissimilar properties. This alteration has been identified in numerous individuals with clinical features associated with tuberous sclerosis (Wilson PJ et al. Hum Mol Genet, 1996 Feb;5:249-56; Au KS et al. Genet Med, 2007; Feb;9:88-100 Yu T et al. Clin Neurol Neurosurg, 2017 Mar;154:104-108; Ambry internal data); however some carriers and families have been show to present with milder phenotype than classic TSC1/2 pathogenic mutations (Wentink M et al. Clin Genet, 2012 May;81:453-61; Jansen AC. Dev Med Child Neurol, 2014 Dec;56:1134-1135; van Eeghen AM et al. Epilepsy Res, 2013 Jan;103:83-7; Pannu et al. Respir Med Case Rep 2017 Jan;20:113-115). This variant was demonstrated to disrupt the function TSC1-TSC2 complex in in vitro functional studies (Hoogeveen-Westerveld M et al. Hum Mutat, 2011 Apr;32:424-35; Wentink M et al. Clin Genet, 2012 May;81:453-61) This amino acid position is highly conserved in available vertebrate species. In addition, this alteration is predicted to be deleterious by in silico analysis. Based on the available evidence, this alteration is classified as a pathogenic mutation associated with reduced penetrance compared to other TSC2 mutations.

CeGaT Center for Human Genetics Tuebingen
Classification: Pathogenic. Last evaluated: 2024-09-01. Review status: criteria provided, single submitter. Criteria: CeGaT Center For Human Genetics Tuebingen Variant Classification Criteria Version 2. Collection method: clinical testing. Allele origin: germline. Affected: yes. Observed: 3 variant alleles.
Comment: TSC2: PP1:Strong, PM5, PM6, PS4:Moderate, PM2:Supporting, PP3, PS3:Supporting

All of Us Research Program, National Institutes of Health
Classification: Pathogenic for Tuberous sclerosis syndrome. Last evaluated: 2024-04-25. Review status: criteria provided, single submitter. Criteria: ACMG Guidelines, 2015. Collection method: clinical testing. Allele origin: germline. Inheritance: Autosomal dominant inheritance. Observed: 1 variant allele, 1 heterozygote.
Comment: This missense variant replaces arginine with tryptophan at codon 1200 of the TSC2 protein. Computational prediction suggests that this variant may have deleterious impact on protein structure and function (internally defined REVEL score threshold >= 0.7, PMID: 27666373). Functional studies with this variant have demonstrated that phosphorylation of S6 kinase was significantly increased compared to wild-type, indicating impairment of TSC1-TSC2 dependent inhibition of TORC1 activity (PMID: 21309039, 21332470). This variant has been reported in numerous individuals affected with tuberous sclerosis complex (TSC; PMID: 8824881, 9463313, 18792920, 21332470, 22867869, 25039834). This variant has also been observed to segregate with disease in multiple tuberous sclerosis families (PMID: 18792920, 21332470). This variant has been identified in 1/31378 chromosomes in the general population by the Genome Aggregation Database (gnomAD). Based on the available evidence, this variant is classified as Pathogenic.

This study involves interpretation of variants in research participants for the purpose of population health screening. Participant phenotype was not available at the time of variant classification. Additional details can be found in publication PMID: 35346344, PMCID: PMC8962531